The following is an entry in ClinVar:

NM_004370.6(COL12A1):c.6932C>T (p.Pro2311Leu)

Gene: COL12A1 (collagen type XII alpha 1 chain; minus strand). Cytogenetic location: 6q13.
Variant type: single nucleotide variant.
Coding change: c.6932C>T on transcript NM_004370.6 (MANE Select); coding-DNA position 6932, C replaced by T.
Protein change: p.Pro2311Leu; replaces proline 2311 with leucine.
Molecular consequence: missense variant.
Genome position (GRCh38, 1-based): chr6:75,123,344, G>A on the plus strand (C>T on the coding strand, the complement: COL12A1 is on the minus strand). VCF-style: chr6-75123344-G-A. GRCh37 (hg19) VCF-style: chr6-75833060-G-A.
Other names: c.6932C>T, p.Pro2311Leu (NM_001424113.1); c.6911C>T, p.Pro2304Leu (NM_001424114.1); c.6659C>T, p.Pro2220Leu (NM_001424115.1); c.3440C>T, p.Pro1147Leu (NM_001424116.1, NM_080645.3); short protein forms P1147L, P2220L, P2304L, P2311L.
Identifiers: ClinVar variation 3751216 (VCV003751216.3).

ClinVar aggregate classification (germline): Uncertain significance. Review status: criteria provided, multiple submitters, no conflicts (2 of 4 stars). 2 submissions from 2 submitters: Uncertain significance (2). Last evaluated 2026-06-15.

Conditions:
Bethlem myopathy 2 (BTHLM2). Identifiers: Orphanet 536516, Orphanet 610, MedGen C4225313, MONDO:0034022, OMIM 616471.
Ullrich congenital muscular dystrophy 2 (UCMD2). Identifiers: Orphanet 75840, MedGen C4225314, MONDO:0014654, OMIM 616470.

gnomAD v4.1: 9 of 1,609,192 alleles (0.00056%); highest among the groups gnomAD compares: African/African-American, 0.0013%; no homozygotes.

Submissions (2):

Women's Health and Genetics/Laboratory Corporation of America, LabCorp
Classification: Uncertain significance. Last evaluated: 2026-06-15. Review status: criteria provided, single submitter. Criteria: LabCorp Variant Classification Summary - May 2015. Collection method: clinical testing. Allele origin: germline.
Comment: Variant summary: COL12A1 c.6932C>T (p.Pro2311Leu) results in a non-conservative amino acid change in the encoded protein sequence. Algorithms developed to predict the effect of missense changes on protein structure and function all suggest that this variant is likely to be disruptive. The frequency data for this variant in gnomAD is considered unreliable, as metrics indicate poor data quality at this position. To our knowledge, no occurrence of c.6932C>T in individuals affected with COL12A1-related conditions and no experimental evidence demonstrating its impact on protein function have been reported. ClinVar contains an entry for this variant (Variation ID: 3751216). Based on the evidence outlined above, the variant was classified as uncertain significance.

Labcorp Genetics (formerly Invitae), Labcorp
Classification: Uncertain significance for Bethlem myopathy 2; Ullrich congenital muscular dystrophy 2. Last evaluated: 2024-03-07. Review status: criteria provided, single submitter. Criteria: Invitae Variant Classification Sherloc (09022015). Collection method: clinical testing. Allele origin: germline.
Comment: This sequence change replaces proline, which is neutral and non-polar, with leucine, which is neutral and non-polar, at codon 2311 of the COL12A1 protein (p.Pro2311Leu). This variant is not present in population databases (gnomAD no frequency). This variant has not been reported in the literature in individuals affected with COL12A1-related conditions. Advanced modeling of protein sequence and biophysical properties (such as structural, functional, and spatial information, amino acid conservation, physicochemical variation, residue mobility, and thermodynamic stability) performed at Invitae indicates that this missense variant is not expected to disrupt COL12A1 protein function with a negative predictive value of 80%. In summary, the available evidence is currently insufficient to determine the role of this variant in disease. Therefore, it has been classified as a Variant of Uncertain Significance.